The following is an entry in ClinVar:

NM_002473.6(MYH9):c.2631+94A>G

Gene: MYH9 (myosin heavy chain 9; minus strand). Cytogenetic location: 22q12.3.
Variant type: single nucleotide variant.
Coding change: c.2631+94A>G on transcript NM_002473.6 (MANE Select); 94 bases into the intron after coding-DNA position 2631, A replaced by G.
Molecular consequence: intron variant.
Genome position (GRCh38, 1-based): chr22:36,301,440, T>C on the plus strand (A>G on the coding strand, the complement: MYH9 is on the minus strand). VCF-style: chr22-36301440-T-C. GRCh37 (hg19) VCF-style: chr22-36697486-T-C.
Identifiers: ClinVar variation 683230 (VCV000683230.2), dbSNP rs78511797, ClinGen allele CA323597074.
Genomic context (GRCh38, chr22:36,301,440, plus strand): 5'-GAGAGACTGGTCACTGTTTACAGTAATAGGAAACTCAGTTGTAGAAAACTCCTATAGTAA[T>C]AGAAACTTCCAGCATGCCGTGCCTACCGATGGCCAGCAGGTGGCAGCACCAGGCAGGTCG-3'

ClinVar aggregate classification (germline): Likely benign. Review status: criteria provided, multiple submitters, no conflicts (2 of 4 stars). 2 submissions from 2 submitters: Likely benign (2). Last evaluated 2018-06-16.

Allele frequency attached by ClinVar (database versions not stated): 1000 Genomes Project 30x 0.00765; 1000 Genomes Project 0.00859; gnomAD 0.01407 and 0.01417; TOPMed 0.01615.
gnomAD v4.1: 28,288 of 1,550,070 alleles (1.8%); highest among the groups gnomAD compares: Middle Eastern, 5.3%; 367 homozygotes.

Submissions (2):

GeneDx
Classification: Likely benign. Last evaluated: 2018-06-16. Review status: criteria provided, single submitter. Criteria: GeneDx Variant Classification (06012015). Collection method: clinical testing. Allele origin: germline. Affected: yes.
Comment: This variant is considered likely benign or benign based on one or more of the following criteria: it is a conservative change, it occurs at a poorly conserved position in the protein, it is predicted to be benign by multiple in silico algorithms, and/or has population frequency not consistent with disease.

Breakthrough Genomics
Classification: Likely benign. Review status: criteria provided, single submitter. Criteria: ACMG Guidelines, 2015. Collection method: not provided. Allele origin: germline. Inheritance: Autosomal dominant inheritance. Affected: yes.